The following is an entry in ClinVar:

NM_001283009.2(RTEL1):c.3376C>G (p.Gln1126Glu)

Genes: RTEL1 (regulator of telomere elongation helicase 1; plus strand), RTEL1-TNFRSF6B (RTEL1-TNFRSF6B readthrough (NMD candidate); plus strand). Cytogenetic location: 20q13.33.
Variant type: single nucleotide variant.
Coding change: c.3376C>G on transcript NM_001283009.2 (MANE Select); coding-DNA position 3376, C replaced by G.
Protein change: p.Gln1126Glu; replaces glutamine 1126 with glutamic acid.
Molecular consequence: missense variant. On other transcripts: non-coding transcript variant (1).
Genome position (GRCh38, 1-based): chr20:63,695,098, C>G. VCF-style: chr20-63695098-C-G. GRCh37 (hg19) VCF-style: chr20-62326451-C-G.
Other names: c.2707C>G, p.Gln903Glu (NM_001283010.1); c.3376C>G, p.Gln1126Glu (NM_016434.4); c.3448C>G, p.Gln1150Glu (NM_032957.5); short protein forms Q1126E, Q1150E, Q903E.
Identifiers: ClinVar variation 473920 (VCV000473920.8), dbSNP rs778734749, ClinGen allele CA9966006.
Genomic context (GRCh38, chr20:63,695,098, plus strand): 5'-TGCCGGGTCTGATTGAAGCTCCCCGCAGGGTTCAGCATGTTTGTGCGTCCACACCACAAG[C>G]AGCGCTTCTCACAGACGTGCACAGACCTGACCGGCCGGCCCTACCCGGGCATGGAGCCAC-3'
Protein context (NP_001269938.1, residues 1116-1136): FSMFVRPHHK[Gln1126Glu]RFSQTCTDLT

ClinVar aggregate classification (germline): Uncertain significance. Review status: criteria provided, multiple submitters, no conflicts (2 of 4 stars). 2 submissions from 2 submitters: Uncertain significance (2). Last evaluated 2025-11-23.

Conditions:
Inborn genetic diseases. Identifiers: MedGen C0950123, MeSH D030342.
Pulmonary fibrosis and/or bone marrow failure, Telomere-related, 3. Also called: PULMONARY FIBROSIS AND/OR BONE MARROW FAILURE SYNDROME, TELOMERE-RELATED, 3. Identifiers: Orphanet 2032, MedGen C4225346, MONDO:0014613, OMIM 616373.
Dyskeratosis congenita, autosomal recessive 5 (DKCB5). Identifiers: MedGen C3554656, MONDO:0014076, OMIM 615190.

Allele frequency attached by ClinVar (database versions not stated): ExAC 0.00001; gnomAD exomes 0.00001; TOPMed 0.00002.
gnomAD v4.1: 7 of 1,612,276 alleles (0.00043%); highest among the groups gnomAD compares: East Asian, 0.0022%; no homozygotes.

Submissions (2):

Labcorp Genetics (formerly Invitae), Labcorp
Classification: Uncertain significance for Dyskeratosis congenita, autosomal recessive 5; Pulmonary fibrosis and/or bone marrow failure, Telomere-related, 3. Last evaluated: 2025-11-23. Review status: criteria provided, single submitter. Criteria: Invitae Variant Classification Sherloc (09022015). Collection method: clinical testing. Allele origin: germline.
Comment: This sequence change replaces glutamine, which is neutral and polar, with glutamic acid, which is acidic and polar, at codon 1126 of the RTEL1 protein (p.Gln1126Glu). This variant is present in population databases (rs778734749, gnomAD 0.0009%). This variant has not been reported in the literature in individuals affected with RTEL1-related conditions. ClinVar contains an entry for this variant (Variation ID: 473920). An algorithm developed to predict the effect of missense changes on protein structure and function (PolyPhen-2) suggests that this variant is likely to be tolerated. In summary, the available evidence is currently insufficient to determine the role of this variant in disease. Therefore, it has been classified as a Variant of Uncertain Significance.

Ambry Genetics
Classification: Uncertain significance for Inborn genetic diseases. Last evaluated: 2024-12-02. Review status: criteria provided, single submitter. Criteria: Ambry Variant Classification Scheme 2023. Collection method: clinical testing. Allele origin: germline.
Comment: The p.Q1126E variant (also known as c.3376C>G), located in coding exon 32 of the RTEL1 gene, results from a C to G substitution at nucleotide position 3376. The glutamine at codon 1126 is replaced by glutamic acid, an amino acid with highly similar properties. This amino acid position is conserved. In addition, this alteration is predicted to be tolerated by in silico analysis. Based on the available evidence, the clinical significance of this variant remains unclear.